The following is an entry in ClinVar:

ClinVar aggregate classification (germline): Likely benign. Review status: criteria provided, multiple submitters, no conflicts (2 of 4 stars). 2 submissions from 2 submitters: Likely benign (2). Last evaluated 2024-11-26.

Allele frequency attached by ClinVar (database versions not stated): 1000 Genomes Project 30x 0.00062; ESP Exome Variant Server 0.00066; ExAC 0.00127; TOPMed 0.00091; 1000 Genomes Project 0.00060.
gnomAD v4.1: 2,495 of 1,612,302 alleles (0.15%); highest among the groups gnomAD compares: Non-Finnish European, 0.19%; 3 homozygotes.

Submissions (2):

Blueprint Genetics
Classification: Likely benign. Last evaluated: 2024-11-26. Review status: criteria provided, single submitter. Criteria: ACMG Guidelines, 2015. Collection method: clinical testing. Allele origin: germline.

GeneDx
Classification: Likely benign. Last evaluated: 2017-10-13. Review status: criteria provided, single submitter. Criteria: GeneDx Variant Classification (06012015). Collection method: clinical testing. Allele origin: germline. Affected: yes.
Comment: This variant is considered likely benign or benign based on one or more of the following criteria: it is a conservative change, it occurs at a poorly conserved position in the protein, it is predicted to be benign by multiple in silico algorithms, and/or has population frequency not consistent with disease.

NM_024790.6(CSPP1):c.-12C>T

Gene: CSPP1 (centrosome and spindle pole associated protein 1; plus strand). Cytogenetic location: 8q13.1.
Variant type: single nucleotide variant.
Coding change: c.-12C>T on transcript NM_024790.6; 12 bases upstream of the start codon, C replaced by T.
Genome position (GRCh38, 1-based): chr8:67,064,387, C>T. VCF-style: chr8-67064387-C-T. GRCh37 (hg19) VCF-style: chr8-67976622-C-T.
Identifiers: ClinVar variation 387656 (VCV000387656.4), dbSNP rs376151631, ClinGen allele CA4770027.